The following is an entry in ClinVar:

NM_001048174.2(MUTYH):c.1165C>T (p.Arg389Cys)

Gene: MUTYH (mutY DNA glycosylase; minus strand). Cytogenetic location: 1p34.1.
Variant type: single nucleotide variant.
Coding change: c.1165C>T on transcript NM_001048174.2 (MANE Select); coding-DNA position 1165, C replaced by T.
Protein change: p.Arg389Cys; replaces arginine 389 with cysteine.
Molecular consequence: missense variant. On other transcripts: non-coding transcript variant (2).
Genome position (GRCh38, 1-based): chr1:45,331,494, G>A on the plus strand (C>T on the coding strand, the complement: MUTYH is on the minus strand). VCF-style: chr1-45331494-G-A. GRCh37 (hg19) VCF-style: chr1-45797166-G-A.
Other names: c.1165C>T, p.Arg389Cys (NM_001048171.2, NM_001048173.2, NM_001293195.2); c.1168C>T, p.Arg390Cys (NM_001048172.2); c.1249C>T, p.Arg417Cys (NM_001128425.2); c.1210C>T, p.Arg404Cys (NM_001293190.2); c.1198C>T, p.Arg400Cys (NM_001293191.2); c.889C>T, p.Arg297Cys (NM_001293192.2, NM_001293196.2); c.820C>T, p.Arg274Cys (NM_001350650.2, NM_001350651.2); c.1240C>T, p.Arg414Cys (NM_012222.3); short protein forms R417C, R404C, R414C, R389C, R400C, R274C, R297C, R390C.
Identifiers: ClinVar variation 185272 (VCV000185272.25), dbSNP rs773370513, ClinGen allele CA012396.

ClinVar aggregate classification (germline): Conflicting classifications of pathogenicity. Review status: criteria provided, conflicting classifications (1 of 4 stars). 8 submissions from 8 submitters: Uncertain significance (7); Benign (1). Last evaluated 2025-12-15.

Conditions:
Hereditary cancer-predisposing syndrome. Also called: Neoplastic Syndromes, Hereditary; Tumor predisposition; Hereditary Cancer Syndrome; Hereditary neoplastic syndrome. Identifiers: Orphanet 140162, MedGen C0027672, MeSH D009386, MONDO:0015356.
Familial adenomatous polyposis 2. Also called: Adenomas, multiple colorectal; COLORECTAL ADENOMATOUS POLYPOSIS, AUTOSOMAL RECESSIVE; ADENOMAS, MULTIPLE COLORECTAL, AUTOSOMAL RECESSIVE; MYH-associated polyposis; MUTYH Polyposis; FAP type 2. Identifiers: Orphanet 220460, Orphanet 247798, MedGen C3272841, MONDO:0012041, OMIM 608456.

Allele frequency attached by ClinVar (database versions not stated): ExAC 0.00001; TOPMed 0.00001; gnomAD 0.00002; gnomAD exomes 0.00002.
gnomAD v4.1: 16 of 1,614,012 alleles (0.00099%); highest among the groups gnomAD compares: Admixed American, 0.005%; no homozygotes.

Submissions (8):

Labcorp Genetics (formerly Invitae), Labcorp
Classification: Uncertain significance for Familial adenomatous polyposis 2. Last evaluated: 2025-12-15. Review status: criteria provided, single submitter. Criteria: Invitae Variant Classification Sherloc (09022015). Collection method: clinical testing. Allele origin: germline.
Comment: This sequence change replaces arginine, which is basic and polar, with cysteine, which is neutral and slightly polar, at codon 417 of the MUTYH protein (p.Arg417Cys). This variant is present in population databases (rs773370513, gnomAD 0.009%). This variant has not been reported in the literature in individuals affected with MUTYH-related conditions. ClinVar contains an entry for this variant (Variation ID: 185272). An algorithm developed to predict the effect of missense changes on protein structure and function (PolyPhen-2) suggests that this variant is likely to be tolerated. In summary, the available evidence is currently insufficient to determine the role of this variant in disease. Therefore, it has been classified as a Variant of Uncertain Significance.

Ambry Genetics
Classification: Benign for Hereditary cancer-predisposing syndrome. Last evaluated: 2025-09-06. Review status: criteria provided, single submitter. Criteria: Ambry Variant Classification Scheme 2023. Collection method: clinical testing. Allele origin: germline.

Baylor Genetics
Classification: Uncertain significance for Familial adenomatous polyposis 2. Last evaluated: 2023-11-26. Review status: criteria provided, single submitter. Criteria: ACMG Guidelines, 2015. Collection method: clinical testing. Allele origin: unknown.

All of Us Research Program, National Institutes of Health
Classification: Uncertain significance for Familial adenomatous polyposis 2. Last evaluated: 2023-10-02. Review status: criteria provided, single submitter. Criteria: ACMG Guidelines, 2015. Collection method: clinical testing. Allele origin: germline. Inheritance: Autosomal recessive inheritance. Observed: 4 variant alleles, 4 heterozygotes.
Comment: This missense variant replaces arginine with cysteine at codon 417 of the MUTYH protein. Computational prediction suggests that this variant may not impact protein structure and function (internally defined REVEL score threshold <= 0.5, PMID: 27666373). To our knowledge, functional studies have not been reported for this variant. This variant has not been reported in individuals affected with MUTYH-related disorders in the literature. This variant has been identified in 7/282458 chromosomes in the general population by the Genome Aggregation Database (gnomAD). The available evidence is insufficient to determine the role of this variant in disease conclusively. Therefore, this variant is classified as a Variant of Uncertain Significance.

This study involves interpretation of variants in research participants for the purpose of population health screening. Participant phenotype was not available at the time of variant classification. Additional details can be found in publication PMID: 35346344, PMCID: PMC8962531

Color Diagnostics, LLC DBA Color Health
Classification: Uncertain significance for Hereditary cancer-predisposing syndrome. Last evaluated: 2023-03-30. Review status: criteria provided, single submitter. Criteria: ACMG Guidelines, 2015. Collection method: clinical testing. Allele origin: germline.
Comment: This missense variant replaces arginine with cysteine at codon 417 of the MUTYH protein. Computational prediction suggests that this variant may not impact protein structure and function (internally defined REVEL score threshold <= 0.5, PMID: 27666373). To our knowledge, functional studies have not been reported for this variant. This variant has not been reported in individuals affected with MUTYH-related disorders in the literature. This variant has been identified in 7/282458 chromosomes in the general population by the Genome Aggregation Database (gnomAD). The available evidence is insufficient to determine the role of this variant in disease conclusively. Therefore, this variant is classified as a Variant of Uncertain Significance.

GeneDx
Classification: Uncertain significance. Last evaluated: 2019-08-15. Review status: criteria provided, single submitter. Criteria: GeneDx Variant Classification Process June 2021. Collection method: clinical testing. Allele origin: germline. Affected: yes.
Comment: Not observed at a significant frequency in large population cohorts (Lek 2016); In silico analysis, which includes protein predictors and evolutionary conservation, supports a deleterious effect; Has not been previously published as pathogenic or benign to our knowledge; This variant is associated with the following publications: (PMID: 27294619)

Women's Health and Genetics/Laboratory Corporation of America, LabCorp
Classification: Uncertain significance. Last evaluated: 2019-03-18. Review status: criteria provided, single submitter. Criteria: LabCorp Variant Classification Summary - May 2015. Collection method: clinical testing. Allele origin: germline.
Comment: Variant summary: MUTYH c.1249C>T (p.Arg417Cys) results in a non-conservative amino acid change located in the MutY, C-terminal/NUDIX hydrolase domain of the encoded protein sequence. Three of five in-silico tools predict a benign effect of the variant on protein function. The variant allele was found at a frequency of 2.5e-05 in 276912 control chromosomes (gnomAD). The available data on variant occurrences in the general population are insufficient to allow any conclusion about variant significance. To our knowledge, no occurrence of c.1249C>T in individuals affected with MUTYH-associated Polyposis and no experimental evidence demonstrating its impact on protein function have been reported. Four clinical diagnostic laboratories have submitted clinical-significance assessments for this variant to ClinVar after 2014 without evidence for independent evaluation. All laboratories classified the variant as uncertain significance. Based on the evidence outlined above, the variant was classified as uncertain significance.

Quest Diagnostics Nichols Institute San Juan Capistrano
Classification: Uncertain significance. Last evaluated: 2017-01-27. Review status: criteria provided, single submitter. Criteria: Quest Diagnostics criteria. Collection method: clinical testing. Allele origin: germline.